The following is an entry in ClinVar:

ClinVar aggregate classification (germline): Uncertain significance (1 of 4 stars; one submission).

Allele frequency attached by ClinVar (database versions not stated): ExAC 0.00002; TOPMed 0.00002; gnomAD 0.00004; gnomAD exomes 0.00004.
gnomAD v4.1: 58 of 1,609,090 alleles (0.0036%); highest among the groups gnomAD compares: Non-Finnish European, 0.0048%; no homozygotes.

Submission:

Labcorp Genetics (formerly Invitae), Labcorp
Classification: Uncertain significance. Last evaluated: 2025-12-31. Review status: criteria provided, single submitter. Criteria: Invitae Variant Classification Sherloc (09022015). Collection method: clinical testing. Allele origin: germline.
Comment: This sequence change falls in intron 22 of the TNNI3K gene. It does not directly change the encoded amino acid sequence of the TNNI3K protein. It affects a nucleotide within the consensus splice site. This variant is present in population databases (rs201338681, gnomAD 0.007%). This variant has not been reported in the literature in individuals affected with TNNI3K-related conditions. ClinVar contains an entry for this variant (Variation ID: 1932566). Variants that disrupt the consensus splice site are a relatively common cause of aberrant splicing (PMID: 17576681, 9536098). Algorithms developed to predict the effect of sequence changes on RNA splicing suggest that this variant may disrupt the consensus splice site. In summary, the available evidence is currently insufficient to determine the role of this variant in disease. Therefore, it has been classified as a Variant of Uncertain Significance.

Literature cited by the submitters: PubMed 17576681; PubMed 9536098.

NM_015978.3(TNNI3K):c.2181+3A>G

Genes: FPGT-TNNI3K (FPGT-TNNI3K readthrough; plus strand), LRRC53 (leucine rich repeat containing 53; minus strand), TNNI3K (TNNI3 interacting kinase; plus strand). Cytogenetic location: 1p31.1.
Variant type: single nucleotide variant.
Coding change: c.2181+3A>G on transcript NM_015978.3 (MANE Select); 3 bases into the intron after coding-DNA position 2181, A replaced by G.
Molecular consequence: intron variant.
Genome position (GRCh38, 1-based): chr1:74,489,251, A>G. VCF-style: chr1-74489251-A-G. GRCh37 (hg19) VCF-style: chr1-74954935-A-G.
Other names: c.2484+3A>G (NM_001112808.3); c.-8-8283T>C (NM_001364666.2); c.-26-5876T>C (NM_001382280.1).
Identifiers: ClinVar variation 1932566 (VCV001932566.5), dbSNP rs201338681, ClinGen allele CA909801.